The following is an entry in ClinVar:

NM_002299.4(LCT):c.4324del (p.Leu1442fs)

Gene: LCT (lactase; minus strand). Cytogenetic location: 2q21.3.
Variant type: Deletion.
Coding change: c.4324del on transcript NM_002299.4 (MANE Select); coding-DNA position 4324, one base deleted (C; older notation c.4324delC).
Protein change: p.Leu1442fs; shifts the reading frame from leucine 1442.
Molecular consequence: frameshift variant.
Genome position (GRCh38, 1-based): chr2:135,804,907, G deleted on the plus strand (C on the coding strand, the reverse complement: LCT is on the minus strand); the first of 2 consecutive G bases (chr2:135,804,907-135,804,908); deleting either gives the same sequence. VCF-style (leftmost placement, unchanged base first): chr2-135804906-AG-A. GRCh37 (hg19) VCF-style: chr2-136562476-AG-A.
Other names: short protein forms L1442fs.
Identifiers: ClinVar variation 2097185 (VCV002097185.4), dbSNP rs2467501358, ClinGen allele CA2580063830.

ClinVar aggregate classification (germline): Pathogenic (1 of 4 stars; one submission).

Submission:

Labcorp Genetics (formerly Invitae), Labcorp
Classification: Pathogenic. Last evaluated: 2024-11-11. Review status: criteria provided, single submitter. Criteria: Invitae Variant Classification Sherloc (09022015). Collection method: clinical testing. Allele origin: germline.
Comment: This sequence change creates a premature translational stop signal (p.Leu1442Trpfs*29) in the LCT gene. It is expected to result in an absent or disrupted protein product. Loss-of-function variants in LCT are known to be pathogenic (PMID: 16400612, 25881162). This variant is not present in population databases (gnomAD no frequency). This variant has not been reported in the literature in individuals affected with LCT-related conditions. ClinVar contains an entry for this variant (Variation ID: 2097185). For these reasons, this variant has been classified as Pathogenic.

Literature cited by the submitters: PubMed 16400612; PubMed 25881162.